The following is an entry in ClinVar:

NM_206933.4(USH2A):c.4628-2A>G

Gene: USH2A (usherin; minus strand). Cytogenetic location: 1q41.
Variant type: single nucleotide variant.
Coding change: c.4628-2A>G on transcript NM_206933.4 (MANE Select); the canonical splice acceptor site of the intron before coding-DNA position 4628, A replaced by G.
Molecular consequence: splice acceptor variant.
Genome position (GRCh38, 1-based): chr1:216,097,215, T>C on the plus strand (A>G on the coding strand, the complement: USH2A is on the minus strand). VCF-style: chr1-216097215-T-C. GRCh37 (hg19) VCF-style: chr1-216270557-T-C.
Identifiers: ClinVar variation 813112 (VCV000813112.13), dbSNP rs2032462132, ClinGen allele CA344861486.

ClinVar aggregate classification (germline): Pathogenic/Likely pathogenic. Review status: criteria provided, multiple submitters, no conflicts (2 of 4 stars). 4 submissions from 4 submitters: Pathogenic (3); Likely pathogenic (1). Last evaluated 2025-09-08.

Conditions:
Retinitis pigmentosa 39 (RP39). Identifiers: Orphanet 791, MedGen C3151138, MONDO:0013436, OMIM 613809.
Retinitis pigmentosa (RP). Identifiers: Orphanet 791, MedGen C0035334, MeSH D012174, MONDO:0019200, OMIM 268000. Inheritance: Autosomal dominant, autosomal recessive and X linked inheritance.

Submissions (4):

Centre of Medical Genetics, University Hospital Muenster
Classification: Pathogenic. Last evaluated: 2025-09-08. Review status: criteria provided, single submitter. Criteria: ACMG Guidelines, 2015. Collection method: clinical testing. Allele origin: unknown. Affected: yes. Observed: 1 variant allele, 1 heterozygote.
Comment: ACMG categories: PVS1,PM2_sup,PM3

Labcorp Genetics (formerly Invitae), Labcorp
Classification: Pathogenic. Last evaluated: 2023-08-17. Review status: criteria provided, single submitter. Criteria: Invitae Variant Classification Sherloc (09022015). Collection method: clinical testing. Allele origin: germline.
Comment: For these reasons, this variant has been classified as Pathogenic. Algorithms developed to predict the effect of sequence changes on RNA splicing suggest that this variant may disrupt the consensus splice site. This sequence change affects an acceptor splice site in intron 21 of the USH2A gene. It is expected to disrupt RNA splicing. Variants that disrupt the donor or acceptor splice site typically lead to a loss of protein function (PMID: 16199547), and loss-of-function variants in USH2A are known to be pathogenic (PMID: 10729113, 10909849, 20507924, 25649381). This variant is not present in population databases (gnomAD no frequency). Disruption of this splice site has been observed in individuals with clinical features of USH2A-related conditions (PMID: 32531858; Invitae). ClinVar contains an entry for this variant (Variation ID: 813112).

Genome-Nilou Lab
Classification: Likely pathogenic for Retinitis pigmentosa 39. Last evaluated: 2023-04-11. Review status: criteria provided, single submitter. Criteria: ACMG Guidelines, 2015. Collection method: clinical testing. Allele origin: germline. Affected: no.

Molecular Genetics Laboratory, Institute for Ophthalmic Research
Classification: Pathogenic for Retinitis pigmentosa. Last evaluated: 2020-01-09. Review status: criteria provided, single submitter. Criteria: ACMG Guidelines, 2015. Collection method: research. Allele origin: germline. Affected: yes.

Literature cited by the submitters: PubMed 16199547 (cited by Labcorp Genetics (formerly Invitae), Labcorp); PubMed 10729113 (cited by Labcorp Genetics (formerly Invitae), Labcorp); PubMed 10909849 (cited by Labcorp Genetics (formerly Invitae), Labcorp); PubMed 20507924 (cited by Labcorp Genetics (formerly Invitae), Labcorp); PubMed 25649381 (cited by Labcorp Genetics (formerly Invitae), Labcorp); PubMed 32531858 (cited by Labcorp Genetics (formerly Invitae), Labcorp).